The following is an entry in ClinVar:

NM_006922.4(SCN3A):c.1680G>C (p.Leu560Phe)

Gene: SCN3A (sodium voltage-gated channel alpha subunit 3; minus strand). Cytogenetic location: 2q24.3.
Variant type: single nucleotide variant.
Coding change: c.1680G>C on transcript NM_006922.4 (MANE Select); coding-DNA position 1680, G replaced by C.
Protein change: p.Leu560Phe; replaces leucine 560 with phenylalanine.
Molecular consequence: missense variant.
Genome position (GRCh38, 1-based): chr2:165,140,990, C>G on the plus strand (G>C on the coding strand, the complement: SCN3A is on the minus strand). VCF-style: chr2-165140990-C-G. GRCh37 (hg19) VCF-style: chr2-165997500-C-G.
Other names: c.1680G>C, p.Leu560Phe (NM_001081676.2, NM_001081677.2); short protein forms L560F.
Identifiers: ClinVar variation 1019810 (VCV001019810.8), dbSNP rs1687980798, ClinGen allele CA349047247.

ClinVar aggregate classification (germline): Uncertain significance (1 of 4 stars; one submission).

Submission:

Labcorp Genetics (formerly Invitae), Labcorp
Classification: Uncertain significance. Last evaluated: 2020-05-21. Review status: criteria provided, single submitter. Criteria: Invitae Variant Classification Sherloc (09022015). Collection method: clinical testing. Allele origin: germline.
Comment: In summary, the available evidence is currently insufficient to determine the role of this variant in disease. Therefore, it has been classified as a Variant of Uncertain Significance. Algorithms developed to predict the effect of missense changes on protein structure and function are either unavailable or do not agree on the potential impact of this missense change (SIFT: "Tolerated"; PolyPhen-2: "Probably Damaging"; Align-GVGD: "Class C0"). This variant has not been reported in the literature in individuals with SCN3A-related conditions. This variant is not present in population databases (ExAC no frequency). This sequence change replaces leucine with phenylalanine at codon 560 of the SCN3A protein (p.Leu560Phe). The leucine residue is highly conserved and there is a small physicochemical difference between leucine and phenylalanine.